The following is an entry in ClinVar:

ClinVar aggregate classification (germline): Pathogenic (1 of 4 stars; one submission).

Conditions:
Joubert syndrome and related disorders. Identifiers: Orphanet 140874, MedGen C5679612, MONDO:0015369.

Submission:

Myriad Genetics, Inc.
Classification: Pathogenic for Joubert syndrome and related disorders. Last evaluated: 2025-09-29. Review status: criteria provided, single submitter. Criteria: Myriad Autosomal Dominant, Autosomal Recessive and X-Linked Classification Criteria (2023). Collection method: clinical testing. Allele origin: unknown.
Comment: NM_001080522.2(CC2D2A):c.3993T>A(Y1331*) is expected to be pathogenic in the context of CC2D2A-related disorders. This variant is predicted to lead to an abnormal or absent protein product due to the creation of a premature termination codon in CC2D2A, a gene where loss-of-function variants are known to be pathogenic. Please note: this variant was assessed in the context of healthy population screening.

NM_001378615.1(CC2D2A):c.3993T>A (p.Tyr1331Ter)

Genes: CC2D2A (coiled-coil and C2 domain containing 2A; plus strand), FBXL5 (F-box and leucine rich repeat protein 5; minus strand). Cytogenetic location: 4p15.32.
Variant type: single nucleotide variant.
Coding change: c.3993T>A on transcript NM_001378615.1 (MANE Select); coding-DNA position 3993, T replaced by A.
Protein change: p.Tyr1331Ter; replaces tyrosine 1331 with a stop codon.
Molecular consequence: nonsense.
Genome position (GRCh38, 1-based): chr4:15,586,174, T>A. VCF-style: chr4-15586174-T-A. GRCh37 (hg19) VCF-style: chr4-15587797-T-A.
Other names: c.3993T>A, p.Tyr1331Ter (NM_001080522.2); c.3846T>A, p.Tyr1282Ter (NM_001378617.1); short protein forms Y1282*, Y1331*.
Identifiers: ClinVar variation 5015030 (VCV005015030.1).